The following is an entry in ClinVar:

ClinVar aggregate classification (germline): Uncertain significance (1 of 4 stars; one submission).

Allele frequency attached by ClinVar (database versions not stated): gnomAD below 0.00001 and 0.00002; gnomAD exomes 0.00002 and 0.00004; ExAC 0.00007; 1000 Genomes Project 30x 0.00031; 1000 Genomes Project 0.00040.
gnomAD v4.1: 39 of 1,614,164 alleles (0.0024%); highest among the groups gnomAD compares: South Asian, 0.038%; no homozygotes.

Submission:

Labcorp Genetics (formerly Invitae), Labcorp
Classification: Uncertain significance. Last evaluated: 2023-10-13. Review status: criteria provided, single submitter. Criteria: Invitae Variant Classification Sherloc (09022015). Collection method: clinical testing. Allele origin: germline.
Comment: This sequence change replaces asparagine, which is neutral and polar, with histidine, which is basic and polar, at codon 532 of the TTLL5 protein (p.Asn532His). This variant is present in population databases (rs554208608, gnomAD 0.04%). This variant has not been reported in the literature in individuals affected with TTLL5-related conditions. ClinVar contains an entry for this variant (Variation ID: 1018199). Advanced modeling of protein sequence and biophysical properties (such as structural, functional, and spatial information, amino acid conservation, physicochemical variation, residue mobility, and thermodynamic stability) performed at Invitae indicates that this missense variant is not expected to disrupt TTLL5 protein function. In summary, the available evidence is currently insufficient to determine the role of this variant in disease. Therefore, it has been classified as a Variant of Uncertain Significance.

NM_015072.5(TTLL5):c.1594A>C (p.Asn532His)

Gene: TTLL5 (tubulin tyrosine ligase like 5; plus strand). Cytogenetic location: 14q24.3.
Variant type: single nucleotide variant.
Coding change: c.1594A>C on transcript NM_015072.5 (MANE Select); coding-DNA position 1594, A replaced by C.
Protein change: p.Asn532His; replaces asparagine 532 with histidine.
Molecular consequence: missense variant.
Genome position (GRCh38, 1-based): chr14:75,764,658, A>C. VCF-style: chr14-75764658-A-C. GRCh37 (hg19) VCF-style: chr14-76231001-A-C.
Other names: short protein forms N532H.
Identifiers: ClinVar variation 1018199 (VCV001018199.7), dbSNP rs554208608, ClinGen allele CA7279470.